The following is an entry in ClinVar:

NM_138713.4(NFAT5):c.2135C>T (p.Ala712Val)

Gene: NFAT5 (nuclear factor of activated T cells 5; plus strand). Cytogenetic location: 16q22.1.
Variant type: single nucleotide variant.
Coding change: c.2135C>T on transcript NM_138713.4 (MANE Select); coding-DNA position 2135, C replaced by T.
Protein change: p.Ala712Val; replaces alanine 712 with valine.
Molecular consequence: missense variant.
Genome position (GRCh38, 1-based): chr16:69,691,960, C>T. VCF-style: chr16-69691960-C-T. GRCh37 (hg19) VCF-style: chr16-69725863-C-T.
Other names: c.2135C>T (NM_138713.3); c.2132C>T, p.Ala711Val (NM_001113178.3); c.1460C>T, p.Ala487Val (NM_001367709.1); c.2081C>T, p.Ala694Val (NM_006599.4); c.1853C>T, p.Ala618Val (NM_138714.4, NM_173214.3, NM_173215.3); short protein forms A618V, A487V, A694V, A711V, A712V.
Identifiers: ClinVar variation 946839 (VCV000946839.10), dbSNP rs1441808759, ClinGen allele CA396507300.

ClinVar aggregate classification (germline): Uncertain significance. Review status: criteria provided, multiple submitters, no conflicts (2 of 4 stars). 2 submissions from 2 submitters: Uncertain significance (2). Last evaluated 2024-10-28.

Conditions:
Immunodeficiency. Identifiers: MedGen C0021051, MONDO:0021094, HP:0002721.

Allele frequency attached by ClinVar (database versions not stated): gnomAD exomes below 0.00001 and 0.00002; gnomAD 0.00001; TOPMed 0.00001.
gnomAD v4.1: 27 of 1,614,036 alleles (0.0017%); highest among the groups gnomAD compares: Non-Finnish European, 0.0022%; no homozygotes.

Submissions (2):

Labcorp Genetics (formerly Invitae), Labcorp
Classification: Uncertain significance for Immunodeficiency. Last evaluated: 2024-10-28. Review status: criteria provided, single submitter. Criteria: Invitae Variant Classification Sherloc (09022015). Collection method: clinical testing. Allele origin: germline.
Comment: This sequence change replaces alanine, which is neutral and non-polar, with valine, which is neutral and non-polar, at codon 618 of the NFAT5 protein (p.Ala618Val). This variant is present in population databases (no rsID available, gnomAD 0.0009%). This variant has not been reported in the literature in individuals affected with NFAT5-related conditions. ClinVar contains an entry for this variant (Variation ID: 946839). An algorithm developed to predict the effect of missense changes on protein structure and function (PolyPhen-2) suggests that this variant is likely to be tolerated. In summary, the available evidence is currently insufficient to determine the role of this variant in disease. Therefore, it has been classified as a Variant of Uncertain Significance.

Ambry Genetics
Classification: Uncertain significance. Last evaluated: 2024-06-16. Review status: criteria provided, single submitter. Criteria: Ambry Variant Classification Scheme 2023. Collection method: clinical testing. Allele origin: germline.